The following is an entry in ClinVar:

ClinVar aggregate classification (germline): Likely benign. Review status: criteria provided, multiple submitters, no conflicts (2 of 4 stars). 4 submissions from 4 submitters: Likely benign (4). Last evaluated 2025-11-12.

Conditions:
Aortic aneurysm, familial thoracic 8 (AAT8). Identifiers: MedGen C3809513, MONDO:0014187, OMIM 615436.
Connective tissue disorder. Also called: Connective tissue disease. Identifiers: MedGen C0009782, MONDO:0003900.

Submissions (4):

Labcorp Genetics (formerly Invitae), Labcorp
Classification: Likely benign for Aortic aneurysm, familial thoracic 8. Last evaluated: 2025-11-12. Review status: criteria provided, single submitter. Criteria: Invitae Variant Classification Sherloc (09022015). Collection method: clinical testing. Allele origin: germline.

Molecular Diagnostic Laboratory for Inherited Cardiovascular Disease, Montreal Heart Institute
Classification: Likely benign. Last evaluated: 2025-04-09. Review status: criteria provided, single submitter. Criteria: ACMG Guidelines, 2015. Collection method: clinical testing. Allele origin: germline. Affected: no.
Comment: BP6

Blueprint Genetics
Classification: Likely benign. Last evaluated: 2022-04-11. Review status: criteria provided, single submitter. Criteria: ACMG Guidelines, 2015. Collection method: clinical testing. Allele origin: germline.

Center for Human Genetics, Inc
Classification: Likely benign for Connective tissue disorder. Last evaluated: 2018-06-01. Review status: criteria provided, single submitter. Criteria: ACMG Guidelines, 2015. Collection method: clinical testing. Allele origin: germline. Affected: yes.

NM_006258.4(PRKG1):c.1174-7_1174-4del

Gene: PRKG1 (protein kinase cGMP-dependent 1; plus strand). Cytogenetic location: 10q21.1.
Variant type: Microsatellite.
Coding change: c.1174-7_1174-4del on transcript NM_006258.4 (MANE Select); 7 bases into the intron before coding-DNA position 1174 through 4 bases into the intron before coding-DNA position 1174, 4 bases deleted (CTTT; older notation c.1174-7_1174-4delCTTT).
Molecular consequence: intron variant.
Genome position (GRCh38, 1-based): chr10:52,271,343-52,271,346, CTTT deleted; deleting any 4 consecutive bases within chr10:52,271,338-52,271,346 gives the same sequence; the c. name uses the placement nearest the transcript's 3' end. VCF-style (leftmost placement, unchanged base first): chr10-52271337-CTCTT-C. GRCh37 (hg19) VCF-style: chr10-54031097-CTCTT-C.
Other names: c.1129-7_1129-4del (NM_001098512.3); c.-36-7_-36-4del (NM_001374781.1); c.1174-7_1174-4delCTTT (NM_006258.3).
Identifiers: ClinVar variation 544064 (VCV000544064.12), dbSNP rs762325343, ClinGen allele CA5503789.